The following is an entry in ClinVar:

NM_022089.4(ATP13A2):c.514C>T (p.Arg172Cys)

Gene: ATP13A2 (ATPase cation transporting 13A2; minus strand). Cytogenetic location: 1p36.13.
Variant type: single nucleotide variant.
Coding change: c.514C>T on transcript NM_022089.4 (MANE Select); coding-DNA position 514, C replaced by T.
Protein change: p.Arg172Cys; replaces arginine 172 with cysteine.
Molecular consequence: missense variant.
Genome position (GRCh38, 1-based): chr1:17,004,375, G>A on the plus strand (C>T on the coding strand, the complement: ATP13A2 is on the minus strand). VCF-style: chr1-17004375-G-A. GRCh37 (hg19) VCF-style: chr1-17330870-G-A.
Other names: c.499C>T, p.Arg167Cys (NM_001141973.3, NM_001141974.3); short protein forms R167C, R172C.
Identifiers: ClinVar variation 2505360 (VCV002505360.2), dbSNP rs1471625532, ClinGen allele CA338261835.

ClinVar aggregate classification (germline): Uncertain significance (1 of 4 stars; one submission).

Conditions:
Kufor-Rakeb syndrome (KRS). Also called: PARKINSON DISEASE 9, AUTOSOMAL RECESSIVE, JUVENILE-ONSET. Identifiers: Orphanet 306674, Orphanet 314632, MedGen C1847640, MONDO:0011706, OMIM 606693.

Allele frequency attached by ClinVar (database versions not stated): TOPMed below 0.00001.
gnomAD v4.1: 2 of 1,614,058 alleles (0.00012%); highest among the groups gnomAD compares: Non-Finnish European, 0.00017%; no homozygotes.

Submission:

Diagnostics Services (NGS), CSIR - Centre For Cellular And Molecular Biology
Classification: Uncertain significance for Kufor-Rakeb syndrome. Last evaluated: 2023-05-26. Review status: criteria provided, single submitter. Criteria: ACMG Guidelines, 2015. Collection method: clinical testing. Allele origin: unknown. Affected: yes. Observed: 1 variant allele, 1 heterozygote.
Comment: The c.514C>T variant is not present in 1000 Genomes, ExAC, EVS, gnomAD, Indian Exome Database or our in-house exome database. This variant has neither been published in literature nor reported to ClinVar, HGMD or OMIM, in any affected individuals. In-silico pathogenicity prediction programs like PolyPhen2, MutationTaster2, CADD etc predicted this variant to be likely deleterious, however these predictions were not confirmed by published functional studies.